The following is an entry in ClinVar:

ClinVar aggregate classification (germline): Uncertain significance (1 of 4 stars; one submission).

Submission:

GeneDx
Classification: Uncertain significance. Last evaluated: 2024-12-26. Review status: criteria provided, single submitter. Criteria: GeneDx Variant Classification Process June 2021. Collection method: clinical testing. Allele origin: germline. Affected: yes.
Comment: Not observed at significant frequency in large population cohorts (gnomAD); In silico analysis supports that this missense variant has a deleterious effect on protein structure/function; Has not been previously published as pathogenic or benign to our knowledge

NM_000612.6(IGF2):c.146G>C (p.Gly49Ala)

Genes: IGF2 (insulin like growth factor 2; minus strand), INS-IGF2 (INS-IGF2 readthrough; minus strand). Cytogenetic location: 11p15.5.
Variant type: single nucleotide variant.
Coding change: c.146G>C on transcript NM_000612.6 (MANE Select); coding-DNA position 146, G replaced by C.
Protein change: p.Gly49Ala; replaces glycine 49 with alanine.
Molecular consequence: missense variant. On other transcripts: non-coding transcript variant (1).
Genome position (GRCh38, 1-based): chr11:2,135,378, C>G on the plus strand (G>C on the coding strand, the complement: IGF2 is on the minus strand). VCF-style: chr11-2135378-C-G. GRCh37 (hg19) VCF-style: chr11-2156608-C-G.
Other names: c.146G>C, p.Gly49Ala (NM_001007139.6, NM_001291861.3, NM_001291862.3); c.314G>C, p.Gly105Ala (NM_001127598.3); short protein forms G105A, G49A.
Identifiers: ClinVar variation 3907868 (VCV003907868.1).